The following is an entry in ClinVar:

ClinVar aggregate classification (germline): Pathogenic (0 of 4 stars; one submission).

Conditions:
Pyruvate dehydrogenase E1-alpha deficiency (PDHAD). Also called: ATAXIA, INTERMITTENT, WITH PYRUVATE DEHYDROGENASE DEFICIENCY; ATAXIA WITH LACTIC ACIDOSIS I; ATAXIA, INTERMITTENT, WITH ABNORMAL PYRUVATE METABOLISM; Ataxia, intermittent, with pyruvate dehydrogenase, or decarboxylase, deficiency. Identifiers: Orphanet 79243, MedGen C1839413, MONDO:0010717, OMIM 312170.

Submission:

PDHA1 Study Group, University Children’s Hospital, Paracelsus Medical University
Classification: Pathogenic for Pyruvate dehydrogenase E1-alpha deficiency. Last evaluated: 2024-10-15. Review status: no assertion criteria provided. Collection method: research. Allele origin: de novo. Affected: yes. Observed: 1 variant allele.
Comment: The NM_000284.3:c.1073_1094del (p.Glu358AlafsTer59) change is a frameshift variant in PDHA1 gene. This variant is predicted to escape nonsense-mediated decay (NMD). Among them, 1 case had confirmed de novo occurrence. Last literature search: July 12, 2024. This variant is absent or extremely rare in population-based cohorts in the Genome Aggregation Database (gnomAD). Individuals harboring this variant presented with clinical features compatible with PDHA1-related PDHc deficiency. In summary, this variant meets criteria to be classified as pathogenic (P) for PDHA1-related PDHc deficiency based on the ACMG/AMP criteria applied: PVS1, PS2, PM2 (last assessment October 15, 2024).

Literature cited by the submitters: DOI 10.1093/brain/awaf430.

NM_000284.4(PDHA1):c.1073_1094del (p.Glu358fs)

Gene: PDHA1 (pyruvate dehydrogenase E1 subunit alpha 1; plus strand). Cytogenetic location: Xp22.12.
Variant type: Deletion.
Coding change: c.1073_1094del on transcript NM_000284.4 (MANE Select); coding-DNA positions 1073 to 1094, 22 bases deleted (AGCCACCTTTGGAAGAGCTGGG).
Protein change: p.Glu358fs; shifts the reading frame from glutamic acid 358.
Molecular consequence: frameshift variant.
Genome position (GRCh38, 1-based): chrX:19,359,553-19,359,574, AGCCACCTTTGGAAGAGCTGGG deleted; deleting any 22 consecutive bases within chrX:19,359,552-19,359,574 gives the same sequence; the c. name uses the placement nearest the transcript's 3' end. VCF-style (leftmost placement, unchanged base first): chrX-19359551-TGAGCCACCTTTGGAAGAGCTGG-T. GRCh37 (hg19) VCF-style: chrX-19377669-TGAGCCACCTTTGGAAGAGCTGG-T.
Other names: c.1187_1208del, p.Glu396fs (NM_001173454.2); c.1094_1115del, p.Glu365fs (NM_001173455.2); c.980_1001del, p.Glu327fs (NM_001173456.2); short protein forms E327fs, E358fs, E365fs, E396fs.
Identifiers: ClinVar variation 4070444 (VCV004070444.1).